The following is an entry in ClinVar:

ClinVar aggregate classification (germline): Uncertain significance (1 of 4 stars; one submission).

Conditions:
Nemaline myopathy 2 (NEM2). Also called: Nemaline myopathy 2, autosomal recessive. Identifiers: MedGen C1850569, MONDO:0009725, OMIM 256030.

Allele frequency attached by ClinVar (database versions not stated): TOPMed below 0.00001; gnomAD 0.00001.
gnomAD v4.1: 1 of 1,613,706 alleles (0.000062%); highest among the groups gnomAD compares: Non-Finnish European, 0.000085%; no homozygotes.

Submission:

Labcorp Genetics (formerly Invitae), Labcorp
Classification: Uncertain significance for Nemaline myopathy 2. Last evaluated: 2022-08-09. Review status: criteria provided, single submitter. Criteria: Invitae Variant Classification Sherloc (09022015). Collection method: clinical testing. Allele origin: germline.
Comment: This sequence change replaces lysine, which is basic and polar, with glutamine, which is neutral and polar, at codon 3254 of the NEB protein (p.Lys3254Gln). This variant is not present in population databases (gnomAD no frequency). This variant has not been reported in the literature in individuals affected with NEB-related conditions. Algorithms developed to predict the effect of missense changes on protein structure and function are either unavailable or do not agree on the potential impact of this missense change (SIFT: "Deleterious"; PolyPhen-2: "Not Available"; Align-GVGD: "Class C0"). In summary, the available evidence is currently insufficient to determine the role of this variant in disease. Therefore, it has been classified as a Variant of Uncertain Significance.

NM_001164508.2(NEB):c.9760A>C (p.Lys3254Gln)

Gene: NEB (nebulin; minus strand). Cytogenetic location: 2q23.3.
Variant type: single nucleotide variant.
Coding change: c.9760A>C on transcript NM_001164508.2 (MANE Select); coding-DNA position 9760, A replaced by C.
Protein change: p.Lys3254Gln; replaces lysine 3254 with glutamine.
Molecular consequence: missense variant.
Genome position (GRCh38, 1-based): chr2:151,629,610, T>G on the plus strand (A>C on the coding strand, the complement: NEB is on the minus strand). VCF-style: chr2-151629610-T-G. GRCh37 (hg19) VCF-style: chr2-152486124-T-G.
Other names: c.9760A>C, p.Lys3254Gln (NM_001164507.2, NM_001271208.2); c.9031A>C, p.Lys3011Gln (NM_004543.5); short protein forms K3011Q, K3254Q.
Identifiers: ClinVar variation 1715929 (VCV001715929.5), dbSNP rs1322326166, ClinGen allele CA348798205.